The following is an entry in ClinVar:

ClinVar aggregate classification (germline): Uncertain significance. Review status: criteria provided, multiple submitters, no conflicts (2 of 4 stars). 8 submissions from 8 submitters: Uncertain significance (6). 2 of the submissions do not count toward it. Last evaluated 2026-03-07.

Conditions:
Hypertrophic cardiomyopathy 14. Identifiers: MedGen C2750467, MONDO:0013197, OMIM 613251.
Cardiovascular phenotype. Identifiers: MedGen CN230736.
MYH6-related disorder. Also called: MYH6-related condition; MYH6-Related Disorders.
Sick sinus syndrome 3, susceptibility to (SSS3). Identifiers: Orphanet 166282, MedGen C3279791, MONDO:0013568, OMIM 614090.
Dilated cardiomyopathy 1EE (CMD1EE). Identifiers: Orphanet 154, MedGen C2750466, MONDO:0013198, OMIM 613252.
Hypertrophic cardiomyopathy 1 (CMH1). Also called: Familial hypertrophic cardiomyopathy 1; MYH7-Related Familial Hypertrophic Cardiomyopathy. Identifiers: MedGen C3495498, MONDO:0008647, OMIM 192600.
Atrial septal defect 3 (ASD3). Identifiers: Orphanet 1478, MedGen C3279790, MONDO:0013567, OMIM 614089.

Allele frequency attached by ClinVar (database versions not stated): TOPMed 0.00004; gnomAD 0.00006; gnomAD exomes 0.00006.
gnomAD v4.1: 96 of 1,608,002 alleles (0.006%); highest among the groups gnomAD compares: Middle Eastern, 0.018%; no homozygotes.

Submissions (8):

PreventionGenetics, part of Exact Sciences
Classification: Uncertain significance for MYH6-related condition. Last evaluated: 2026-03-07. Review status: criteria provided, single submitter. Criteria: ACMG Guidelines, 2015. Collection method: clinical testing. Allele origin: germline.
Comment: The MYH6 c.3427C>T variant is predicted to result in the amino acid substitution p.Arg1143Trp. This variant has been reported in cardiomyopathy cohort studies (Table S1, Lopes et al. 2015. PubMed ID: 25351510; Sezginer Guler et al. 2025. PubMed ID: 40475167). This variant is reported in 0.0081% of alleles in individuals of European (Non-Finnish) descent in gnomAD. At this time, the clinical significance of this variant is uncertain due to the absence of conclusive functional and genetic evidence.

Labcorp Genetics (formerly Invitae), Labcorp
Classification: Uncertain significance for Hypertrophic cardiomyopathy 14. Last evaluated: 2025-11-18. Review status: criteria provided, single submitter. Criteria: Invitae Variant Classification Sherloc (09022015). Collection method: clinical testing. Allele origin: germline.
Comment: This sequence change replaces arginine, which is basic and polar, with tryptophan, which is neutral and slightly polar, at codon 1143 of the MYH6 protein (p.Arg1143Trp). This variant is present in population databases (rs755209382, gnomAD 0.009%). This variant has not been reported in the literature in individuals affected with MYH6-related conditions. ClinVar contains an entry for this variant (Variation ID: 1175107). Invitae Evidence Modeling of protein sequence and biophysical properties (such as structural, functional, and spatial information, amino acid conservation, physicochemical variation, residue mobility, and thermodynamic stability) indicates that this missense variant is expected to disrupt MYH6 protein function with a positive predictive value of 80%. In summary, the available evidence is currently insufficient to determine the role of this variant in disease. Therefore, it has been classified as a Variant of Uncertain Significance.

Ambry Genetics
Classification: Uncertain significance for Cardiovascular phenotype. Last evaluated: 2025-07-12. Review status: criteria provided, single submitter. Criteria: Ambry Variant Classification Scheme 2023. Collection method: clinical testing. Allele origin: germline.
Comment: The p.R1143W variant (also known as c.3427C>T), located in coding exon 24 of the MYH6 gene, results from a C to T substitution at nucleotide position 3427. The arginine at codon 1143 is replaced by tryptophan, an amino acid with dissimilar properties. This alteration has been reported in a hypertrophic cardiomyopathy (HCM) cohort; however, clinical details were limited (Lopes LR et al. Heart, 2015 Feb;101:294-301). This amino acid position is highly conserved in available vertebrate species. In addition, this alteration is predicted to be deleterious by in silico analysis. Since supporting evidence is limited at this time, the clinical significance of this alteration remains unclear.

Institute of Immunology and Genetics Kaiserslautern
Classification: Uncertain significance for Hypertrophic cardiomyopathy 14. Last evaluated: 2025-06-23. Review status: criteria provided, single submitter. Criteria: ACMG Guidelines, 2015. Collection method: clinical testing. Allele origin: germline. Affected: yes.
Comment: ACMG Criteria: PM2_P, PP3; Variant was found in heterozygous state.

GeneDx
Classification: Uncertain significance. Last evaluated: 2024-06-05. Review status: criteria provided, single submitter. Criteria: GeneDx Variant Classification Process June 2021. Collection method: clinical testing. Allele origin: germline. Affected: yes.
Comment: In silico analysis supports that this missense variant has a deleterious effect on protein structure/function; Observed in an individual with hypertrophic cardiomyopathy undergoing whole exome sequencing (PMID: 25351510); This variant is associated with the following publications: (PMID: 25351510)

Fulgent Genetics
Classification: Uncertain significance for Hypertrophic cardiomyopathy 1; Hypertrophic cardiomyopathy 14; Dilated cardiomyopathy 1EE; Atrial septal defect 3; Sick sinus syndrome 3, susceptibility to. Last evaluated: 2022-04-19. Review status: criteria provided, single submitter. Criteria: ACMG Guidelines, 2015. Collection method: clinical testing. Allele origin: unknown.

Diagnostic Laboratory, Department of Genetics, University Medical Center Groningen
Classification: Uncertain significance. Review status: no assertion criteria provided. Collection method: clinical testing. Allele origin: germline. Affected: yes. Study: VKGL Data-share Consensus. Not counted in ClinVar's aggregate classification.

Joint Genome Diagnostic Labs from Nijmegen and Maastricht, Radboudumc and MUMC+
Classification: Uncertain significance. Review status: no assertion criteria provided. Collection method: clinical testing. Allele origin: germline. Affected: yes. Study: VKGL Data-share Consensus. Not counted in ClinVar's aggregate classification.

Literature cited by the submitters: PubMed 25351510 (cited by Ambry Genetics).

NM_002471.4(MYH6):c.3427C>T (p.Arg1143Trp)

Gene: MYH6 (myosin heavy chain 6; minus strand). Cytogenetic location: 14q11.2.
Variant type: single nucleotide variant.
Coding change: c.3427C>T on transcript NM_002471.4 (MANE Select); coding-DNA position 3427, C replaced by T.
Protein change: p.Arg1143Trp; replaces arginine 1143 with tryptophan.
Molecular consequence: missense variant.
Genome position (GRCh38, 1-based): chr14:23,390,362, G>A on the plus strand (C>T on the coding strand, the complement: MYH6 is on the minus strand). VCF-style: chr14-23390362-G-A. GRCh37 (hg19) VCF-style: chr14-23859571-G-A.
Other names: short protein forms R1143W.
Identifiers: ClinVar variation 1175107 (VCV001175107.18), dbSNP rs755209382, ClinGen allele CA7115186.
Genomic context (GRCh38, chr14:23,390,362, plus strand): 5'-TCTGCACGGACGTGGCCCCGCCGGCCTCTTCCAGCCGCTCGCTGATCTCCTCCAGCTCCC[G>A]AGACAGGTCTGAGCGCAGCTTCTCCACCTTAGCCCTGGCGGTGCGCTCGGCCTCCAGCTC-3'
Protein context (NP_002462.2, residues 1133-1153): KVEKLRSDLS[Arg1143Trp]ELEEISERLE